The following is an entry in ClinVar:

ClinVar aggregate classification (germline): Likely benign (1 of 4 stars; one submission).

Allele frequency attached by ClinVar (database versions not stated): ExAC 0.00006.

Submission:

CeGaT Center for Human Genetics Tuebingen
Classification: Likely benign. Last evaluated: 2023-06-01. Review status: criteria provided, single submitter. Criteria: CeGaT Center For Human Genetics Tuebingen Variant Classification Criteria Version 2. Collection method: clinical testing. Allele origin: germline. Affected: yes. Observed: 2 variant alleles.
Comment: HYDIN: BP4, BP7

NM_001270974.2(HYDIN):c.5910C>T (p.Ser1970=)

Gene: HYDIN (HYDIN axonemal central pair apparatus protein; minus strand). Cytogenetic location: 16q22.2.
Variant type: single nucleotide variant.
Coding change: c.5910C>T on transcript NM_001270974.2 (MANE Select); coding-DNA position 5910, C replaced by T.
Protein change: p.Ser1970=; no amino-acid change (serine 1970 retained).
Molecular consequence: synonymous variant.
Genome position (GRCh38, 1-based): chr16:70,962,017, G>A on the plus strand (C>T on the coding strand, the complement: HYDIN is on the minus strand). VCF-style: chr16-70962017-G-A. GRCh37 (hg19) VCF-style: chr16-70995920-G-A.
Identifiers: ClinVar variation 2646762 (VCV002646762.24), dbSNP rs766521682, ClinGen allele CA8150439.